The following is an entry in ClinVar:

NM_006361.6(HOXB13):c.235C>T (p.Pro79Ser)

Gene: HOXB13 (homeobox B13; minus strand). Cytogenetic location: 17q21.32.
Variant type: single nucleotide variant.
Coding change: c.235C>T on transcript NM_006361.6 (MANE Select); coding-DNA position 235, C replaced by T.
Protein change: p.Pro79Ser; replaces proline 79 with serine.
Molecular consequence: missense variant.
Genome position (GRCh38, 1-based): chr17:48,728,359, G>A on the plus strand (C>T on the coding strand, the complement: HOXB13 is on the minus strand). VCF-style: chr17-48728359-G-A. GRCh37 (hg19) VCF-style: chr17-46805721-G-A.
Other names: short protein forms P79S.
Identifiers: ClinVar variation 4035960 (VCV004035960.1).
Genomic context (GRCh38, chr17:48,728,359, plus strand): 5'-GTTTCAGCGAGCTCCGGGACACTCGGCAGGAGTAGTACCCGCCTCCAAAGTAACCATAAG[G>A]CACGGGAGCTGGGGACGTCCCCTGGGGCACCCCAGGGCATGGGTGGCATTGCTTTGGCGG-3'
Protein context (NP_006352.2, residues 69-89): VPQGTSPAPV[Pro79Ser]YGYFGGGYYS

ClinVar aggregate classification (germline): Uncertain significance (1 of 4 stars; one submission).

Conditions:
Hereditary cancer-predisposing syndrome. Also called: Neoplastic Syndromes, Hereditary; Tumor predisposition; Hereditary neoplastic syndrome; Hereditary Cancer Syndrome. Identifiers: Orphanet 140162, MedGen C0027672, MeSH D009386, MONDO:0015356.

Submission:

Ambry Genetics
Classification: Uncertain significance for Hereditary cancer-predisposing syndrome. Last evaluated: 2025-06-13. Review status: criteria provided, single submitter. Criteria: Ambry Variant Classification Scheme 2023. Collection method: clinical testing. Allele origin: germline.
Comment: The p.P79S variant (also known as c.235C>T), located in coding exon 1 of the HOXB13 gene, results from a C to T substitution at nucleotide position 235. The proline at codon 79 is replaced by serine, an amino acid with similar properties. This amino acid position is highly conserved in available vertebrate species. In addition, the in silico prediction for this alteration is inconclusive. Based on the available evidence, the clinical significance of this variant remains unclear.